The following is an entry in ClinVar:

NM_004082.5(DCTN1):c.3241G>A (p.Val1081Met)

Gene: DCTN1 (dynactin subunit 1; minus strand). Cytogenetic location: 2p13.1.
Variant type: single nucleotide variant.
Coding change: c.3241G>A on transcript NM_004082.5 (MANE Select); coding-DNA position 3241, G replaced by A.
Protein change: p.Val1081Met; replaces valine 1081 with methionine.
Molecular consequence: missense variant. On other transcripts: non-coding transcript variant (1).
Genome position (GRCh38, 1-based): chr2:74,363,398, C>T on the plus strand (G>A on the coding strand, the complement: DCTN1 is on the minus strand). VCF-style: chr2-74363398-C-T. GRCh37 (hg19) VCF-style: chr2-74590525-C-T.
Other names: c.3166G>A, p.Val1056Met (NM_001135040.3); c.2824G>A, p.Val942Met (NM_001135041.3); c.3115G>A, p.Val1039Met (NM_001190836.2); c.3220G>A, p.Val1074Met (NM_001190837.2); c.3190G>A, p.Val1064Met (NM_001378991.1); c.3172G>A, p.Val1058Met (NM_001378992.1); c.2839G>A, p.Val947Met (NM_023019.4); short protein forms V1081M, V947M, V1039M, V1074M, V1056M, V942M, V1058M, V1064M.
Identifiers: ClinVar variation 536154 (VCV000536154.36), dbSNP rs764028925, ClinGen allele CA1721540.

ClinVar aggregate classification (germline): Uncertain significance. Review status: criteria provided, multiple submitters, no conflicts (2 of 4 stars). 3 submissions from 3 submitters: Uncertain significance (3). Last evaluated 2025-08-06.

Conditions:
DCTN1-related disorder. Also called: DCTN1-related condition.
Perry syndrome. Also called: PARKINSONISM WITH ALVEOLAR HYPOVENTILATION AND MENTAL DEPRESSION. Identifiers: Orphanet 178509, MedGen C1868594, MONDO:0008201, OMIM 168605.
Neuronopathy, distal hereditary motor, type 7B. Also called: HMN VIIB; LOWER MOTOR NEURON DISEASE, DYNACTIN TYPE; NEURONOPATHY, DISTAL HEREDITARY MOTOR, AUTOSOMAL DOMINANT 14; NEURONOPATHY, DISTAL HEREDITARY MOTOR, HARDING TYPE VIIB; NEUROPATHY, DISTAL HEREDITARY MOTOR, HARDING TYPE VIIB; NEUROPATHY, DISTAL HEREDITARY MOTOR, WITH VOCAL CORD PARALYSIS, HARDING TYPE VIIB. Identifiers: Orphanet 139589, MedGen C1843315, MONDO:0011879, OMIM 607641.
Amyotrophic lateral sclerosis type 1 (ALS1). Also called: AMYOTROPHIC LATERAL SCLEROSIS 1, FAMILIAL. Identifiers: Orphanet 803, MedGen C1862939, MONDO:0007103, OMIM 105400.

Allele frequency attached by ClinVar (database versions not stated): gnomAD 0.00001; gnomAD exomes 0.00002 and 0.00004; TOPMed 0.00002; ExAC 0.00003.
gnomAD v4.1: 56 of 1,612,500 alleles (0.0035%); highest among the groups gnomAD compares: Non-Finnish European, 0.0042%; no homozygotes.

Submissions (3):

PreventionGenetics, part of Exact Sciences
Classification: Uncertain significance for DCTN1-related condition. Last evaluated: 2025-08-06. Review status: criteria provided, single submitter. Criteria: ACMG Guidelines, 2015. Collection method: clinical testing. Allele origin: germline.
Comment: The DCTN1 c.3241G>A variant is predicted to result in the amino acid substitution p.Val1081Met. To our knowledge, this variant has not been reported in the literature. This variant is reported in 0.0063% of alleles in individuals of African descent in gnomAD. At this time, the clinical significance of this variant is uncertain due to the absence of conclusive functional and genetic evidence.

Labcorp Genetics (formerly Invitae), Labcorp
Classification: Uncertain significance for Amyotrophic lateral sclerosis type 1; Neuronopathy, distal hereditary motor, type 7B; Perry syndrome. Last evaluated: 2024-12-13. Review status: criteria provided, single submitter. Criteria: Invitae Variant Classification Sherloc (09022015). Collection method: clinical testing. Allele origin: germline.
Comment: This sequence change replaces valine, which is neutral and non-polar, with methionine, which is neutral and non-polar, at codon 1081 of the DCTN1 protein (p.Val1081Met). This variant is present in population databases (rs764028925, gnomAD 0.007%). This variant has not been reported in the literature in individuals affected with DCTN1-related conditions. ClinVar contains an entry for this variant (Variation ID: 536154). Invitae Evidence Modeling of protein sequence and biophysical properties (such as structural, functional, and spatial information, amino acid conservation, physicochemical variation, residue mobility, and thermodynamic stability) indicates that this missense variant is not expected to disrupt DCTN1 protein function with a negative predictive value of 95%. In summary, the available evidence is currently insufficient to determine the role of this variant in disease. Therefore, it has been classified as a Variant of Uncertain Significance.

CeGaT Center for Human Genetics Tuebingen
Classification: Uncertain significance. Last evaluated: 2023-08-01. Review status: criteria provided, single submitter. Criteria: CeGaT Center For Human Genetics Tuebingen Variant Classification Criteria Version 2. Collection method: clinical testing. Allele origin: germline. Affected: yes. Observed: 1 variant allele.
Comment: DCTN1: PM2, BP4